The following is an entry in ClinVar:

ClinVar aggregate classification (germline): Uncertain significance (1 of 4 stars; one submission).

Allele frequency attached by ClinVar (database versions not stated): gnomAD 0.00001; gnomAD exomes 0.00001; TOPMed 0.00001.
gnomAD v4.1: 11 of 1,613,258 alleles (0.00068%); highest among the groups gnomAD compares: Non-Finnish European, 0.00085%; no homozygotes.

Submission:

Labcorp Genetics (formerly Invitae), Labcorp
Classification: Uncertain significance. Last evaluated: 2024-11-07. Review status: criteria provided, single submitter. Criteria: Invitae Variant Classification Sherloc (09022015). Collection method: clinical testing. Allele origin: germline.
Comment: This sequence change falls in intron 13 of the ATP1A1 gene. It does not directly change the encoded amino acid sequence of the ATP1A1 protein. It affects a nucleotide within the consensus splice site. This variant is present in population databases (rs199962684, gnomAD 0.007%). This variant has not been reported in the literature in individuals affected with ATP1A1-related conditions. ClinVar contains an entry for this variant (Variation ID: 2421854). Variants that disrupt the consensus splice site are a relatively common cause of aberrant splicing (PMID: 17576681, 9536098). Algorithms developed to predict the effect of sequence changes on RNA splicing suggest that this variant is not likely to affect RNA splicing. In summary, the available evidence is currently insufficient to determine the role of this variant in disease. Therefore, it has been classified as a Variant of Uncertain Significance.

Literature cited by the submitters: PubMed 17576681; PubMed 9536098.

NM_000701.8(ATP1A1):c.1837-3C>T

Genes: ATP1A1 (ATPase Na+/K+ transporting subunit alpha 1; plus strand), ATP1A1-AS1 (ATP1A1 antisense RNA 1; minus strand). Cytogenetic location: 1p13.1.
Variant type: single nucleotide variant.
Coding change: c.1837-3C>T on transcript NM_000701.8 (MANE Select); 3 bases into the intron before coding-DNA position 1837, C replaced by T.
Molecular consequence: intron variant.
Genome position (GRCh38, 1-based): chr1:116,396,595, C>T. VCF-style: chr1-116396595-C-T. GRCh37 (hg19) VCF-style: chr1-116939217-C-T.
Other names: c.1837-3C>T (NM_001160233.2); c.1744-3C>T (NM_001160234.2).
Identifiers: ClinVar variation 2421854 (VCV002421854.6), dbSNP rs199962684, ClinGen allele CA29663679.